The following is an entry in ClinVar:

ClinVar aggregate classification (germline): Uncertain significance (1 of 4 stars; one submission).

Submission:

GeneDx
Classification: Uncertain significance. Last evaluated: 2024-01-18. Review status: criteria provided, single submitter. Criteria: GeneDx Variant Classification Process June 2021. Collection method: clinical testing. Allele origin: germline. Affected: yes.
Comment: Not observed at significant frequency in large population cohorts (gnomAD); In silico analysis supports that this missense variant does not alter protein structure/function; Has not been previously published as pathogenic or benign to our knowledge

NM_032119.4(ADGRV1):c.13234G>A (p.Glu4412Lys)

Gene: ADGRV1 (adhesion G protein-coupled receptor V1; plus strand). Cytogenetic location: 5q14.3.
Variant type: single nucleotide variant.
Coding change: c.13234G>A on transcript NM_032119.4 (MANE Select); coding-DNA position 13234, G replaced by A.
Protein change: p.Glu4412Lys; replaces glutamic acid 4412 with lysine.
Molecular consequence: missense variant. On other transcripts: non-coding transcript variant (1).
Genome position (GRCh38, 1-based): chr5:90,783,126, G>A. VCF-style: chr5-90783126-G-A. GRCh37 (hg19) VCF-style: chr5-90078943-G-A.
Other names: short protein forms E4412K.
Identifiers: ClinVar variation 3360859 (VCV003360859.1).